The following is an entry in ClinVar:

NM_030962.4(SBF2):c.1615A>G (p.Lys539Glu)

Gene: SBF2 (SET binding factor 2; minus strand). Cytogenetic location: 11p15.4.
Variant type: single nucleotide variant.
Coding change: c.1615A>G on transcript NM_030962.4 (MANE Select); coding-DNA position 1615, A replaced by G.
Protein change: p.Lys539Glu; replaces lysine 539 with glutamic acid.
Molecular consequence: missense variant.
Genome position (GRCh38, 1-based): chr11:9,963,868, T>C on the plus strand (A>G on the coding strand, the complement: SBF2 is on the minus strand). VCF-style: chr11-9963868-T-C. GRCh37 (hg19) VCF-style: chr11-9985415-T-C.
Other names: c.1615A>G, p.Lys539Glu (NM_001386339.1); c.1486A>G, p.Lys496Glu (NM_001386342.1); short protein forms K539E, K496E.
Identifiers: ClinVar variation 964584 (VCV000964584.13), dbSNP rs775279773, ClinGen allele CA5881782.

ClinVar aggregate classification (germline): Uncertain significance. Review status: criteria provided, multiple submitters, no conflicts (2 of 4 stars). 4 submissions from 4 submitters: Uncertain significance (4). Last evaluated 2024-05-29.

Conditions:
Inborn genetic diseases. Identifiers: MedGen C0950123, MeSH D030342.
Charcot-Marie-Tooth disease type 4. Also called: Charcot-Marie-Tooth disease, type IV; Charcot-Marie-Tooth, Type 4. Identifiers: Orphanet 64749, MedGen C4082197, MONDO:0018995.

Allele frequency attached by ClinVar (database versions not stated): gnomAD exomes below 0.00001 and 0.00001; ExAC 0.00001; TOPMed 0.00001.
gnomAD v4.1: 11 of 1,594,606 alleles (0.00069%); highest among the groups gnomAD compares: Non-Finnish European, 0.00086%; no homozygotes.

Submissions (4):

GeneDx
Classification: Uncertain significance. Last evaluated: 2024-05-29. Review status: criteria provided, single submitter. Criteria: GeneDx Variant Classification Process June 2021. Collection method: clinical testing. Allele origin: germline. Affected: yes.
Comment: Not observed at significant frequency in large population cohorts (gnomAD); In silico analysis indicates that this missense variant does not alter protein structure/function; Has not been previously published as pathogenic or benign to our knowledge

Labcorp Genetics (formerly Invitae), Labcorp
Classification: Uncertain significance for Charcot-Marie-Tooth disease type 4. Last evaluated: 2022-02-05. Review status: criteria provided, single submitter. Criteria: Invitae Variant Classification Sherloc (09022015). Collection method: clinical testing. Allele origin: germline.
Comment: In summary, the available evidence is currently insufficient to determine the role of this variant in disease. Therefore, it has been classified as a Variant of Uncertain Significance. Algorithms developed to predict the effect of missense changes on protein structure and function (SIFT, PolyPhen-2, Align-GVGD) all suggest that this variant is likely to be tolerated. ClinVar contains an entry for this variant (Variation ID: 964584). This variant has not been reported in the literature in individuals affected with SBF2-related conditions. This variant is present in population databases (rs775279773, gnomAD 0.0009%). This sequence change replaces lysine, which is basic and polar, with glutamic acid, which is acidic and polar, at codon 539 of the SBF2 protein (p.Lys539Glu).

Ambry Genetics
Classification: Uncertain significance for Inborn genetic diseases. Last evaluated: 2020-12-30. Review status: criteria provided, single submitter. Criteria: Ambry Variant Classification Scheme 2023. Collection method: clinical testing. Allele origin: germline.
Comment: The p.K539E variant (also known as c.1615A>G), located in coding exon 15 of the SBF2 gene, results from an A to G substitution at nucleotide position 1615. The lysine at codon 539 is replaced by glutamic acid, an amino acid with similar properties. This amino acid position is highly conserved in available vertebrate species. In addition, the in silico prediction for this alteration is inconclusive. Since supporting evidence is limited at this time, the clinical significance of this alteration remains unclear.

Breakthrough Genomics
Classification: Uncertain significance. Review status: criteria provided, single submitter. Criteria: ACMG Guidelines, 2015. Collection method: not provided. Allele origin: germline. Inheritance: Autosomal recessive inheritance. Affected: yes.